The following is an entry in ClinVar:

NM_001374353.1(GLI2):c.3877G>T (p.Ala1293Ser)

Gene: GLI2 (GLI family zinc finger 2; plus strand). Cytogenetic location: 2q14.2.
Variant type: single nucleotide variant.
Coding change: c.3877G>T on transcript NM_001374353.1 (MANE Select); coding-DNA position 3877, G replaced by T.
Protein change: p.Ala1293Ser; replaces alanine 1293 with serine.
Molecular consequence: missense variant.
Genome position (GRCh38, 1-based): chr2:120,989,842, G>T. VCF-style: chr2-120989842-G-T. GRCh37 (hg19) VCF-style: chr2-121747418-G-T.
Other names: c.3928G>T, p.Ala1310Ser (NM_001371271.1, NM_005270.5); c.3502G>T, p.Ala1168Ser (NM_001374354.1); short protein forms A1168S, A1293S, A1310S.
Identifiers: ClinVar variation 1305559 (VCV001305559.2), dbSNP rs2105094880, ClinGen allele CA348176582.

ClinVar aggregate classification (germline): Uncertain significance (1 of 4 stars; one submission).

Submission:

GeneDx
Classification: Uncertain significance. Last evaluated: 2021-03-02. Review status: criteria provided, single submitter. Criteria: GeneDx Variant Classification Process June 2021. Collection method: clinical testing. Allele origin: germline. Affected: yes.
Comment: Not observed in large population cohorts (Lek et al., 2016); In silico analysis, which includes protein predictors and evolutionary conservation, supports that this variant does not alter protein structure/function; Has not been previously published as pathogenic or benign to our knowledge